The following is an entry in ClinVar:

ClinVar aggregate classification (germline): Uncertain significance (1 of 4 stars; one submission).

Submission:

Ambry Genetics
Classification: Uncertain significance. Last evaluated: 2026-05-14. Review status: criteria provided, single submitter. Criteria: Ambry Variant Classification Scheme 2023. Collection method: clinical testing. Allele origin: germline.
Comment: The c.2123A>G (p.D708G) alteration is located in exon 4 (coding exon 4) of the SPATA31A6 gene. This alteration results from a A to G substitution at nucleotide position 2123, causing the aspartic acid (D) at amino acid position 708 to be replaced by a glycine (G). Based on data from gnomAD, the G allele has an overall frequency of 0.003% (2/67602) total alleles studied. The highest observed frequency was 0.046% (1/2186) of Other alleles. Based on insufficient or conflicting evidence, the clinical significance of this alteration remains unclear.

NM_001145196.1(SPATA31A6):c.2123A>G (p.Asp708Gly)

Gene: SPATA31A6 (SPATA31 subfamily A member 6; plus strand). Cytogenetic location: 9p11.2.
Variant type: single nucleotide variant.
Coding change: c.2123A>G on transcript NM_001145196.1 (MANE Select); coding-DNA position 2123, A replaced by G.
Protein change: p.Asp708Gly; replaces aspartic acid 708 with glycine.
Molecular consequence: missense variant.
Genome position (GRCh38, 1-based): chr9:42,187,825, A>G. VCF-style: chr9-42187825-A-G. GRCh37 (hg19) VCF-style: chr9-43626564-T-C.
Other names: short protein forms D708G.
Identifiers: ClinVar variation 3321903 (VCV003321903.2).